The following is an entry in ClinVar:

ClinVar aggregate classification (germline): Uncertain significance (1 of 4 stars; one submission).

Submission:

Labcorp Genetics (formerly Invitae), Labcorp
Classification: Uncertain significance. Last evaluated: 2025-09-02. Review status: criteria provided, single submitter. Criteria: Invitae Variant Classification Sherloc (09022015). Collection method: clinical testing. Allele origin: germline.
Comment: This sequence change falls in intron 31 of the DUOX2 gene. It does not directly change the encoded amino acid sequence of the DUOX2 protein. It affects a nucleotide within the consensus splice site. This variant is not present in population databases (gnomAD no frequency). This variant has not been reported in the literature in individuals affected with DUOX2-related conditions. ClinVar contains an entry for this variant (Variation ID: 2714915). Variants that disrupt the consensus splice site are a relatively common cause of aberrant splicing (PMID: 17576681, 9536098). Algorithms developed to predict the effect of sequence changes on RNA splicing suggest that this variant may disrupt the consensus splice site. In summary, the available evidence is currently insufficient to determine the role of this variant in disease. Therefore, it has been classified as a Variant of Uncertain Significance.

Literature cited by the submitters: PubMed 17576681; PubMed 9536098.

NM_001363711.2(DUOX2):c.4239+5G>T

Gene: DUOX2 (dual oxidase 2; minus strand). Cytogenetic location: 15q21.1.
Variant type: single nucleotide variant.
Coding change: c.4239+5G>T on transcript NM_001363711.2 (MANE Select); 5 bases into the intron after coding-DNA position 4239, G replaced by T.
Molecular consequence: intron variant.
Genome position (GRCh38, 1-based): chr15:45,095,432, C>A on the plus strand (G>T on the coding strand, the complement: DUOX2 is on the minus strand). VCF-style: chr15-45095432-C-A. GRCh37 (hg19) VCF-style: chr15-45387630-C-A.
Other names: c.4239+5G>T (NM_014080.5).
Identifiers: ClinVar variation 2714915 (VCV002714915.3), dbSNP rs1238715110, ClinGen allele CA2697554425.